The following is an entry in ClinVar:

ClinVar aggregate classification (germline): Pathogenic (1 of 4 stars; one submission).

Conditions:
Hereditary cancer-predisposing syndrome. Also called: Neoplastic Syndromes, Hereditary; Tumor predisposition; Hereditary Cancer Syndrome; Hereditary neoplastic syndrome. Identifiers: Orphanet 140162, MedGen C0027672, MeSH D009386, MONDO:0015356.

Submission:

Ambry Genetics
Classification: Pathogenic for Hereditary cancer-predisposing syndrome. Last evaluated: 2026-04-23. Review status: criteria provided, single submitter. Criteria: Ambry Variant Classification Scheme 2023. Collection method: clinical testing. Allele origin: germline.
Comment: The p.S190* pathogenic mutation (also known as c.569C>A), located in coding exon 4 of the PALB2 gene, results from a C to A substitution at nucleotide position 569. This changes the amino acid from a serine to a stop codon within coding exon 4. This alteration is expected to result in loss of function by premature protein truncation or nonsense-mediated mRNA decay. This variant is considered to be rare based on population cohorts in the Genome Aggregation Database (gnomAD). As such, this alteration is interpreted as a disease-causing mutation.

NM_024675.4(PALB2):c.569C>A (p.Ser190Ter)

Gene: PALB2 (partner and localizer of BRCA2; minus strand). Cytogenetic location: 16p12.2.
Variant type: single nucleotide variant.
Coding change: c.569C>A on transcript NM_024675.4 (MANE Select); coding-DNA position 569, C replaced by A.
Protein change: p.Ser190Ter; replaces serine 190 with a stop codon.
Molecular consequence: nonsense. On other transcripts: 5 prime UTR variant (8), intron variant (3).
Genome position (GRCh38, 1-based): chr16:23,635,977, G>T on the plus strand (C>A on the coding strand, the complement: PALB2 is on the minus strand). VCF-style: chr16-23635977-G-T. GRCh37 (hg19) VCF-style: chr16-23647298-G-T.
Other names: c.509C>A, p.Ser170Ter (NM_001407296.1); c.569C>A, p.Ser190Ter (NM_001407297.1, NM_001407298.1, NM_001407299.1 and 3 more transcripts); c.-317C>A (NM_001407304.1, NM_001407305.1, NM_001407306.1 and 5 more transcripts); c.48+5133C>A (NM_001407314.1); c.-105+5133C>A (NM_001407313.1, NM_001407312.1); short protein forms S170*, S190*.
Identifiers: ClinVar variation 4861485 (VCV004861485.1).